The following is an entry in ClinVar:

NM_182914.3(SYNE2):c.8726A>G (p.Glu2909Gly)

Gene: SYNE2 (spectrin repeat containing nuclear envelope protein 2; plus strand). Cytogenetic location: 14q23.2.
Variant type: single nucleotide variant.
Coding change: c.8726A>G on transcript NM_182914.3 (MANE Select); coding-DNA position 8726, A replaced by G.
Protein change: p.Glu2909Gly; replaces glutamic acid 2909 with glycine.
Molecular consequence: missense variant.
Genome position (GRCh38, 1-based): chr14:64,052,639, A>G. VCF-style: chr14-64052639-A-G. GRCh37 (hg19) VCF-style: chr14-64519357-A-G.
Other names: c.8726A>G, p.Glu2909Gly (NM_015180.6); short protein forms E2909G.
Identifiers: ClinVar variation 2808154 (VCV002808154.3), dbSNP rs2548325077, ClinGen allele CA389970589.
Genomic context (GRCh38, chr14:64,052,639, plus strand): 5'-GTGGAATCTCAACACATCTTCAGGAGCTAACAAACATCTATGAGGAGCTGAATGTGTTTG[A>G]AAGATTATTTCTGGAAGATCAGTTGAAAAATCTTAAGATTAGGACCAACAGAATACAAAG-3'
Protein context (NP_878918.2, residues 2899-2919): TNIYEELNVF[Glu2909Gly]RLFLEDQLKN

ClinVar aggregate classification (germline): Uncertain significance (1 of 4 stars; one submission).

Conditions:
Emery-Dreifuss muscular dystrophy 5, autosomal dominant (EDMD5). Also called: EMERY-DREIFUSS MUSCULAR DYSTROPHY 5. Identifiers: Orphanet 261, MedGen C2751805, MONDO:0013072, OMIM 612999.

Submission:

Labcorp Genetics (formerly Invitae), Labcorp
Classification: Uncertain significance for Emery-Dreifuss muscular dystrophy 5, autosomal dominant. Last evaluated: 2023-04-06. Review status: criteria provided, single submitter. Criteria: Invitae Variant Classification Sherloc (09022015). Collection method: clinical testing. Allele origin: germline.
Comment: This sequence change replaces glutamic acid, which is acidic and polar, with glycine, which is neutral and non-polar, at codon 2909 of the SYNE2 protein (p.Glu2909Gly). This variant is not present in population databases (gnomAD no frequency). This variant has not been reported in the literature in individuals affected with SYNE2-related conditions. An algorithm developed to predict the effect of missense changes on protein structure and function (PolyPhen-2) suggests that this variant is likely to be disruptive. In summary, the available evidence is currently insufficient to determine the role of this variant in disease. Therefore, it has been classified as a Variant of Uncertain Significance.